The following is an entry in ClinVar:

NM_024675.4(PALB2):c.49-165C>G

Gene: PALB2 (partner and localizer of BRCA2; minus strand). Cytogenetic location: 16p12.2.
Variant type: single nucleotide variant.
Coding change: c.49-165C>G on transcript NM_024675.4 (MANE Select); 165 bases into the intron before coding-DNA position 49, C replaced by G.
Molecular consequence: intron variant.
Genome position (GRCh38, 1-based): chr16:23,638,294, G>C on the plus strand (C>G on the coding strand, the complement: PALB2 is on the minus strand). VCF-style: chr16-23638294-G-C. GRCh37 (hg19) VCF-style: chr16-23649615-G-C.
Identifiers: ClinVar variation 677857 (VCV000677857.2), dbSNP rs7198601, ClinGen allele CA279503233.

ClinVar aggregate classification (germline): Benign. Review status: criteria provided, multiple submitters, no conflicts (2 of 4 stars). 2 submissions from 2 submitters: Benign (2). Last evaluated 2018-06-15.

Allele frequency attached by ClinVar (database versions not stated): gnomAD 0.04594; 1000 Genomes Project 0.04792; 1000 Genomes Project 30x 0.05200; TOPMed 0.05251.
gnomAD v4.1: 7,061 of 152,216 alleles (4.6%); highest among the groups gnomAD compares: African/African-American, 16%; 572 homozygotes.

Submissions (2):

GeneDx
Classification: Benign. Last evaluated: 2018-06-15. Review status: criteria provided, single submitter. Criteria: GeneDx Variant Classification (06012015). Collection method: clinical testing. Allele origin: germline. Affected: yes.
Comment: This variant is considered likely benign or benign based on one or more of the following criteria: it is a conservative change, it occurs at a poorly conserved position in the protein, it is predicted to be benign by multiple in silico algorithms, and/or has population frequency not consistent with disease.

Breakthrough Genomics
Classification: Benign. Review status: criteria provided, single submitter. Criteria: ACMG Guidelines, 2015. Collection method: not provided. Allele origin: germline. Inheritance: Autosomal dominant inheritance. Affected: yes.